The following is an entry in ClinVar:

NM_003970.4(MYOM2):c.2999-8C>T

Gene: MYOM2 (myomesin 2; plus strand). Cytogenetic location: 8p23.3.
Variant type: single nucleotide variant.
Coding change: c.2999-8C>T on transcript NM_003970.4 (MANE Select); 8 bases into the intron before coding-DNA position 2999, C replaced by T.
Molecular consequence: intron variant.
Genome position (GRCh38, 1-based): chr8:2,108,778, C>T. VCF-style: chr8-2108778-C-T. GRCh37 (hg19) VCF-style: chr8-2056569-C-T.
Identifiers: ClinVar variation 3056801 (VCV003056801.2), dbSNP rs1978898, ClinGen allele CA170459811.

ClinVar aggregate classification (germline): Benign (0 of 4 stars; one submission).

Conditions:
MYOM2-related disorder. Also called: MYOM2-related condition.

Allele frequency attached by ClinVar (database versions not stated): 1000 Genomes Project 30x 0.14085; 1000 Genomes Project 0.14537; TOPMed 0.17504; ESP Exome Variant Server 0.18315; gnomAD 0.18683.
gnomAD v4.1: 382,536 of 1,612,478 alleles (24%); highest among the groups gnomAD compares: Non-Finnish European, 26%; 48,333 homozygotes.

Submission:

PreventionGenetics, part of Exact Sciences
Classification: Benign for MYOM2-related condition. Last evaluated: 2019-10-21. Review status: no assertion criteria provided. Collection method: clinical testing. Allele origin: germline.
Comment: This variant is classified as benign based on ACMG/AMP sequence variant interpretation guidelines (Richards et al. 2015 PMID: 25741868, with internal and published modifications).